The following is an entry in ClinVar:

ClinVar aggregate classification (germline): Uncertain significance (1 of 4 stars; one submission).

Submission:

GeneDx
Classification: Uncertain significance. Last evaluated: 2018-01-08. Review status: criteria provided, single submitter. Criteria: GeneDx Variant Classification (06012015). Collection method: clinical testing. Allele origin: germline. Affected: yes.
Comment: The c.1036+3A>G variant in the DKC1 gene has not been reported previously as a pathogenic variant nor as a benign variant, to our knowledge. This variant reduces the quality of the splice donor site in intron 10, which may cause abnormal gene splicing. However, in the absence of RNA/functional studies, the actual effect of this sequence change in this individual is unknown. The c.1036+3A>G variant is not observed in large population cohorts (Lek et al., 2016). We interpret c.1036+3A>G as a variant of uncertain significance.

NM_001363.5(DKC1):c.1036+3A>G

Gene: DKC1 (dyskerin pseudouridine synthase 1; plus strand). Cytogenetic location: Xq28.
Variant type: single nucleotide variant.
Coding change: c.1036+3A>G on transcript NM_001363.5 (MANE Select); 3 bases into the intron after coding-DNA position 1036, A replaced by G.
Molecular consequence: intron variant.
Genome position (GRCh38, 1-based): chrX:154,770,882, A>G. VCF-style: chrX-154770882-A-G. GRCh37 (hg19) VCF-style: chrX-153999157-A-G.
Other names: c.1036+3A>G (NM_001288747.2, NM_001142463.3).
Identifiers: ClinVar variation 489310 (VCV000489310.2), dbSNP rs1557264866, ClinGen allele CA658684334.